The following is an entry in ClinVar:

ClinVar aggregate classification (germline): Uncertain significance (1 of 4 stars; one submission).

Conditions:
Symmetrical dyschromatosis of extremities (DSH). Also called: RETICULATE ACROPIGMENTATION OF DOHI; SYMMETRIC DYSCHROMATOSIS OF THE EXTREMITIES; DYSCHROMATOSIS SYMMETRICA HEREDITARIA 1; Dyschromatosis symmetrica hereditaria. Identifiers: Orphanet 41, MedGen C0406775, MONDO:0007483, OMIM 127400.
Aicardi-Goutieres syndrome 6 (AGS6). Identifiers: Orphanet 51, MedGen C3539013, MONDO:0014007, OMIM 615010.

Allele frequency attached by ClinVar (database versions not stated): ExAC 0.00001.
gnomAD v4.1: 5 of 1,614,002 alleles (0.00031%); highest among the groups gnomAD compares: South Asian, 0.0011%; no homozygotes.

Submission:

Labcorp Genetics (formerly Invitae), Labcorp
Classification: Uncertain significance for Aicardi-Goutieres syndrome 6; Symmetrical dyschromatosis of extremities. Last evaluated: 2025-07-13. Review status: criteria provided, single submitter. Criteria: Invitae Variant Classification Sherloc (09022015). Collection method: clinical testing. Allele origin: germline.
Comment: This sequence change replaces arginine, which is basic and polar, with cysteine, which is neutral and slightly polar, at codon 801 of the ADAR protein (p.Arg801Cys). This variant is present in population databases (rs748161184, gnomAD 0.003%). This variant has not been reported in the literature in individuals affected with ADAR-related conditions. ClinVar contains an entry for this variant (Variation ID: 2953235). Invitae Evidence Modeling of protein sequence and biophysical properties (such as structural, functional, and spatial information, amino acid conservation, physicochemical variation, residue mobility, and thermodynamic stability) indicates that this missense variant is not expected to disrupt ADAR protein function with a negative predictive value of 80%. In summary, the available evidence is currently insufficient to determine the role of this variant in disease. Therefore, it has been classified as a Variant of Uncertain Significance.

NM_001111.5(ADAR):c.2401C>T (p.Arg801Cys)

Gene: ADAR (adenosine deaminase RNA specific; minus strand). Cytogenetic location: 1q21.3.
Variant type: single nucleotide variant.
Coding change: c.2401C>T on transcript NM_001111.5 (MANE Select); coding-DNA position 2401, C replaced by T.
Protein change: p.Arg801Cys; replaces arginine 801 with cysteine.
Molecular consequence: missense variant.
Genome position (GRCh38, 1-based): chr1:154,590,279, G>A on the plus strand (C>T on the coding strand, the complement: ADAR is on the minus strand). VCF-style: chr1-154590279-G-A. GRCh37 (hg19) VCF-style: chr1-154562755-G-A.
Other names: c.1516C>T, p.Arg506Cys (NM_001365048.1, NM_001365049.1, NM_001025107.3 and 3 more transcripts); c.2401C>T, p.Arg801Cys (NM_015840.4); c.2344C>T, p.Arg782Cys (NM_015841.4); c.2428C>T, p.Arg810Cys (NM_001365045.1); short protein forms R810C, R801C, R506C, R782C.
Identifiers: ClinVar variation 2953235 (VCV002953235.3), dbSNP rs748161184, ClinGen allele CA1131302.